The following is an entry in ClinVar:

ClinVar aggregate classification (germline): Pathogenic (1 of 4 stars; one submission).

Conditions:
Rubinstein-Taybi syndrome (RSTS). Identifiers: Orphanet 783, MedGen C0035934, MONDO:0019188.

Submission:

Labcorp Genetics (formerly Invitae), Labcorp
Classification: Pathogenic for Rubinstein-Taybi syndrome. Last evaluated: 2022-09-20. Review status: criteria provided, single submitter. Criteria: Invitae Variant Classification Sherloc (09022015). Collection method: clinical testing. Allele origin: germline.
Comment: A similar copy number variant has been observed in individual(s) with Rubinstein‚ÄìTaybi syndrome (PMID: 31566936). This variant is a gross deletion of the genomic region encompassing exon(s) 24-31 of the CREBBP gene, which includes the termination codon. This deletion extends beyond the assayed region for this gene and therefore may encompass additional genes. While this deletion is not anticipated to lead to nonsense mediated decay, it is expected to alter mRNA translation or result in a truncated protein product. For these reasons, this variant has been classified as Pathogenic. This variant disrupts a region of the CREBBP protein in which other variant(s) (p.Met2225Alafs*78) have been determined to be pathogenic (PMID: 32170002). This suggests that this is a clinically significant region of the protein, and that variants that disrupt it are likely to be disease-causing.

Literature cited by the submitters: PubMed 31566936; PubMed 32170002.

NC_000016.9:g.(?_3721703)_(3790570_?)del

Genes: CREBBP (CREB binding lysine acetyltransferase; minus strand), TRAP1 (TNF receptor associated protein 1; minus strand). Cytogenetic location: 16p13.3.
Variant type: Deletion.
Identifiers: ClinVar variation 2425093 (VCV002425093.4).